The following is an entry in ClinVar:

NM_000245.4(MET):c.3685A>G (p.Met1229Val)

Gene: MET (MET proto-oncogene, receptor tyrosine kinase; plus strand). Cytogenetic location: 7q31.2.
Variant type: single nucleotide variant.
Coding change: c.3685A>G on transcript NM_000245.4 (MANE Select); coding-DNA position 3685, A replaced by G.
Protein change: p.Met1229Val; replaces methionine 1229 with valine.
Molecular consequence: missense variant.
Genome position (GRCh38, 1-based): chr7:116,783,356, A>G. VCF-style: chr7-116783356-A-G. GRCh37 (hg19) VCF-style: chr7-116423410-A-G.
Other names: c.3739A>G, p.Met1247Val (NM_001127500.3); c.2395A>G, p.Met799Val (NM_001324402.2); short protein forms M799V, M1229V, M1247V.
Identifiers: ClinVar variation 935804 (VCV000935804.12), dbSNP rs768125521, ClinGen allele CA4448764.
Genomic context (GRCh38, chr7:116,783,356, plus strand): 5'-TTCTGTAGGCTGGATGAAAAATTCACAGTCAAGGTTGCTGATTTTGGTCTTGCCAGAGAC[A>G]TGTATGATAAAGAATACTATAGTGTACACAACAAAACAGGTGCAAAGCTGCCAGTGAAGT-3'
Protein context (NP_000236.2, residues 1219-1239): KVADFGLARD[Met1229Val]YDKEYYSVHN

ClinVar aggregate classification (germline): Conflicting classifications of pathogenicity. Review status: criteria provided, conflicting classifications (1 of 4 stars). 3 submissions from 3 submitters: Uncertain significance (1); Likely benign (2). Last evaluated 2025-11-20.

Conditions:
Renal cell carcinoma. Identifiers: Orphanet 217071, MedGen C0007134, MeSH D002292, MONDO:0005086, HP:0005584.
Hereditary cancer-predisposing syndrome. Also called: Hereditary neoplastic syndrome; Hereditary Cancer Syndrome; Neoplastic Syndromes, Hereditary; Tumor predisposition. Identifiers: Orphanet 140162, MedGen C0027672, MeSH D009386, MONDO:0015356.

Allele frequency attached by ClinVar (database versions not stated): gnomAD exomes below 0.00001 and 0.00001; TOPMed 0.00001; ExAC 0.00002.

Submissions (3):

Labcorp Genetics (formerly Invitae), Labcorp
Classification: Uncertain significance for Renal cell carcinoma. Last evaluated: 2025-11-20. Review status: criteria provided, single submitter. Criteria: Invitae Variant Classification Sherloc (09022015). Collection method: clinical testing. Allele origin: germline.
Comment: This sequence change replaces methionine, which is neutral and non-polar, with valine, which is neutral and non-polar, at codon 1247 of the MET protein (p.Met1247Val). This variant is present in population databases (rs768125521, gnomAD 0.003%). This variant has not been reported in the literature in individuals affected with MET-related conditions. ClinVar contains an entry for this variant (Variation ID: 935804). Invitae Evidence Modeling of protein sequence and biophysical properties (such as structural, functional, and spatial information, amino acid conservation, physicochemical variation, residue mobility, and thermodynamic stability) indicates that this missense variant is not expected to disrupt MET protein function with a negative predictive value of 80%. In summary, the available evidence is currently insufficient to determine the role of this variant in disease. Therefore, it has been classified as a Variant of Uncertain Significance.

Blueprint Genetics
Classification: Likely benign. Last evaluated: 2024-11-06. Review status: criteria provided, single submitter. Criteria: ACMG Guidelines, 2015. Collection method: clinical testing. Allele origin: germline.

Ambry Genetics
Classification: Likely benign for Hereditary cancer-predisposing syndrome. Last evaluated: 2022-03-08. Review status: criteria provided, single submitter. Criteria: Ambry Variant Classification Scheme 2023. Collection method: clinical testing. Allele origin: germline.